The following is an entry in ClinVar:

ClinVar aggregate classification (germline): Likely pathogenic (1 of 4 stars; one submission).

Conditions:
Bartter disease type 4A. Also called: BARTTER SYNDROME, NEONATAL, WITH SENSORINEURAL DEAFNESS; BARTTER SYNDROME, TYPE 4A, NEONATAL, WITH SENSORINEURAL DEAFNESS. Identifiers: Orphanet 112, MedGen C1865270, MONDO:0011242, OMIM 602522.

Submission:

Rare Kidney Stone Consortium and the Mayo Clinic Hyperoxaluria Center, Mayo Clinic
Classification: Likely pathogenic for Bartter disease type 4A. Last evaluated: 2025-10-03. Review status: criteria provided, single submitter. Criteria: ACMG Guidelines, 2015. Collection method: research. Allele origin: germline. Observed: 1 variant allele.
Comment: ACMG:PVS1, PM1, PM2, PP3

Literature cited by the submitters: PubMed 40794449.

NM_057176.3(BSND):c.306G>A (p.Trp102Ter)

Gene: BSND (barttin CLCNK type accessory subunit beta; plus strand). Cytogenetic location: 1p32.3.
Variant type: single nucleotide variant.
Coding change: c.306G>A on transcript NM_057176.3 (MANE Select); coding-DNA position 306, G replaced by A.
Protein change: p.Trp102Ter; replaces tryptophan 102 with a stop codon.
Molecular consequence: nonsense.
Genome position (GRCh38, 1-based): chr1:55,007,030, G>A. VCF-style: chr1-55007030-G-A. GRCh37 (hg19) VCF-style: chr1-55472703-G-A.
Other names: short protein forms W102*.
Identifiers: ClinVar variation 4526842 (VCV004526842.1).